The following is an entry in ClinVar:

NM_017934.7(PHIP):c.3273T>A (p.Leu1091=)

Genes: IRAK1BP1 (interleukin 1 receptor associated kinase 1 binding protein 1; plus strand), PHIP (PHIP subunit of CUL4-Ring ligase complex; minus strand). Cytogenetic location: 6q14.1.
Variant type: single nucleotide variant.
Coding change: c.3273T>A on transcript NM_017934.7 (MANE Select); coding-DNA position 3273, T replaced by A.
Protein change: p.Leu1091=; no amino-acid change (leucine 1091 retained).
Molecular consequence: synonymous variant.
Genome position (GRCh38, 1-based): chr6:78,965,989, A>T on the plus strand (T>A on the coding strand, the complement: PHIP is on the minus strand). VCF-style: chr6-78965989-A-T. GRCh37 (hg19) VCF-style: chr6-79675706-A-T.
Identifiers: ClinVar variation 3354090 (VCV003354090.1).
Genomic context (GRCh38, chr6:78,965,989, plus strand): 5'-ACAAATATTTCCTTACCAAACATTGTAGCATTGAAACAGACTATCAGGGTACTCAAGTTG[A>T]AGAGGTTCCTGGCTTTCGATTGTTCCAAACCACCAGGCATCATCTATGACAGACCTGAAG-3'
Protein context (NP_060404.4, residues 1081-1101): WFGTIESQEP[Leu1091=]QLEYPDSLFQ

ClinVar aggregate classification (germline): Likely benign (0 of 4 stars; one submission).

Conditions:
PHIP-related disorder. Also called: PHIP-related condition; PHIP-related disorders.

Submission:

PreventionGenetics, part of Exact Sciences
Classification: Likely benign for PHIP-related condition. Last evaluated: 2022-10-25. Review status: no assertion criteria provided. Collection method: clinical testing. Allele origin: germline.
Comment: This variant is classified as likely benign based on ACMG/AMP sequence variant interpretation guidelines (Richards et al. 2015 PMID: 25741868, with internal and published modifications).